The following is an entry in ClinVar:

NM_006343.3(MERTK):c.1893C>T (p.Ile631=)

Gene: MERTK (MER proto-oncogene, tyrosine kinase; plus strand). Cytogenetic location: 2q13.
Variant type: single nucleotide variant.
Coding change: c.1893C>T on transcript NM_006343.3 (MANE Select); coding-DNA position 1893, C replaced by T.
Protein change: p.Ile631=; no amino-acid change (isoleucine 631 retained).
Molecular consequence: synonymous variant.
Genome position (GRCh38, 1-based): chr2:112,008,408, C>T. VCF-style: chr2-112008408-C-T. GRCh37 (hg19) VCF-style: chr2-112765985-C-T.
Other names: c.1893C>T (NM_006343.2).
Identifiers: ClinVar variation 1125036 (VCV001125036.11), dbSNP rs543947091, ClinGen allele CA1831586.

ClinVar aggregate classification (germline): Likely benign. Review status: criteria provided, multiple submitters, no conflicts (2 of 4 stars). 3 submissions from 3 submitters: Likely benign (3). Last evaluated 2025-12-26.

Conditions:
MERTK-related disorder. Also called: MERTK-related condition.

Allele frequency attached by ClinVar (database versions not stated): gnomAD 0.00001 and 0.00002; ExAC 0.00010; 1000 Genomes Project 30x 0.00031; 1000 Genomes Project 0.00040.
gnomAD v4.1: 85 of 1,613,902 alleles (0.0053%); highest among the groups gnomAD compares: South Asian, 0.053%; 1 homozygote.

Submissions (3):

Labcorp Genetics (formerly Invitae), Labcorp
Classification: Likely benign. Last evaluated: 2025-12-26. Review status: criteria provided, single submitter. Criteria: Invitae Variant Classification Sherloc (09022015). Collection method: clinical testing. Allele origin: germline.

PreventionGenetics, part of Exact Sciences
Classification: Likely benign for MERTK-related condition. Last evaluated: 2025-12-02. Review status: criteria provided, single submitter. Criteria: ACMG Guidelines, 2015. Collection method: clinical testing. Allele origin: germline.
Comment: This variant is classified as likely benign based on ACMG/AMP sequence variant interpretation guidelines (Richards et al. 2015 PMID: 25741868, with internal and published modifications).

Blueprint Genetics
Classification: Likely benign. Last evaluated: 2023-05-16. Review status: criteria provided, single submitter. Criteria: ACMG Guidelines, 2015. Collection method: clinical testing. Allele origin: germline.